The following continues an entry in ClinVar:

NM_000277.3(PAH):c.1208C>T (p.Ala403Val)

Gene: PAH. ClinVar aggregate classification (germline): Pathogenic. Pathogenic (1).

Submissions 9 to 27 of 47:

Quest Diagnostics Nichols Institute San Juan Capistrano
Classification: Pathogenic. Last evaluated: 2025-07-03. Review status: criteria provided, single submitter. Criteria: Quest Diagnostics criteria. Collection method: clinical testing. Allele origin: unknown. Not counted in ClinVar's aggregate classification.
Comment: The PAH c.1208C>T (p.Ala403Val) pathogenic variant has been reported in numerous compound heterozygous individuals affected with BH4-responsive mild hyperphenylalaninemia, mild form of phenylketonuria, and/or non-PKU HPA (PMIDs: 8739972 (1996), 8889590 (1996), 16290003 (2005), 21820508 (2011), 23430547 (2013), 25596310 (2015), 30747360 (2019), 33101986 (2020), 33465300 (2021), 35405047 (2022), 36537053 (2022), 37421234 (2023), and 38731816 (2024)). Functional studies have shown this variant is associated with reduced enzyme activity (PMIDs: 10479481 (1999), 21820508 (2011), 30037505 (2018)). The frequency of this variant in the general population (Genome Aggregation Database) is consistent with pathogenicity. Based on the available information, this variant is classified as pathogenic.

Natera, Inc.
Classification: Pathogenic for Phenylketonuria. Last evaluated: 2025-06-09. Review status: criteria provided, single submitter. Criteria: Natera Variant Classification Schema (03/2026). Collection method: clinical testing. Allele origin: germline. Not counted in ClinVar's aggregate classification.
Comment: The c.1208C>T variant in PAH is a missense variant predicted to cause substitution of alanine to valine at amino acid 403. This variant is rare in the general population with a frequency below the threshold expected for the associated phenotype(s). This variant has been observed in one or more individuals affected with the associated recessive disease, as either homozygous or compound heterozygous with a second variant (PMID: 8739972, 9429153). Given the available evidence, this variant is classified as Pathogenic.

Women's Health and Genetics/Laboratory Corporation of America, LabCorp
Classification: Pathogenic for Phenylketonuria. Last evaluated: 2025-03-05. Review status: criteria provided, single submitter. Criteria: LabCorp Variant Classification Summary - May 2015. Collection method: clinical testing. Allele origin: germline. Not counted in ClinVar's aggregate classification.
Comment: Variant summary: PAH c.1208C>T (p.Ala403Val) results in a non-conservative amino acid change in the encoded protein sequence. Four of five in-silico tools predict a damaging effect of the variant on protein function. The variant allele was found at a frequency of 0.0006 in 251414 control chromosomes. This frequency is not significantly higher than estimated for a pathogenic variant in PAH causing Phenylalanine Hydroxylase Deficiency (Phenylketonuria) (0.0006 vs 0.0079), allowing no conclusion about variant significance. This variant was one of the most common pathogenic variants found in European PKU or MHP patients. The phenotype of these patients is likely to be mild and they respond to BH4 treatment. Two independent groups showed PAH p.A403V activity is 30-40%, which is consistent with the mild phenotype seen in the patients carrying this variant. ClinVar contains an entry for this variant (Variation ID: 92731). Based on the evidence outlined above, the variant was classified as pathogenic.

Blueprint Genetics
Classification: Pathogenic for PAH-related disorders. Last evaluated: 2024-11-22. Review status: criteria provided, single submitter. Criteria: ACMG Guidelines, 2015. Collection method: clinical testing. Allele origin: germline. Affected: yes. Observed: 5 variant alleles. Not counted in ClinVar's aggregate classification.

Genomic Medicine Center of Excellence, King Faisal Specialist Hospital and Research Centre
Classification: Pathogenic for Phenylketonuria. Last evaluated: 2024-04-04. Review status: criteria provided, single submitter. Criteria: ACMG Guidelines, 2015. Collection method: clinical testing. Allele origin: germline. Not counted in ClinVar's aggregate classification.

Laboratory of Medical Genetics, National & Kapodistrian University of Athens
Classification: Pathogenic for Phenylketonuria. Last evaluated: 2024-02-01. Review status: criteria provided, single submitter. Criteria: ACMG Guidelines, 2015. Collection method: curation. Allele origin: germline. Affected: no. Not counted in ClinVar's aggregate classification.

Revvity Omics, Revvity
Classification: Pathogenic for Phenylketonuria. Last evaluated: 2024-01-24. Review status: criteria provided, single submitter. Criteria: ACMG Guidelines, 2015. Collection method: clinical testing. Allele origin: germline. Not counted in ClinVar's aggregate classification.

Institute of Human Genetics, University of Leipzig Medical Center
Classification: Pathogenic for Phenylketonuria. Last evaluated: 2024-01-05. Review status: criteria provided, single submitter. Criteria: ACMG Guidelines, 2015. Collection method: clinical testing. Allele origin: germline. Affected: yes. Not counted in ClinVar's aggregate classification.

Department of Human Genetics, Hannover Medical School
Classification: Pathogenic for Phenylketonuria. Last evaluated: 2023-11-14. Review status: criteria provided, single submitter. Criteria: ACMG Guidelines, 2015. Collection method: clinical testing. Allele origin: germline. Affected: yes. Not counted in ClinVar's aggregate classification.

Intergen Genetics and Rare Diseases Diagnosis Center
Classification: Pathogenic for Phenylketonuria. Last evaluated: 2023-06-08. Review status: criteria provided, single submitter. Criteria: ACMG Guidelines, 2015. Collection method: clinical testing. Allele origin: unknown. Inheritance: Autosomal recessive inheritance. Affected: no. Observed: 1 heterozygote. Not counted in ClinVar's aggregate classification.

Laboratory for Molecular Medicine, Mass General Brigham Personalized Medicine
Classification: Pathogenic for Phenylketonuria. Last evaluated: 2022-11-03. Review status: criteria provided, single submitter. Criteria: ACMG Guidelines, 2015. Collection method: clinical testing. Allele origin: germline. Inheritance: Autosomal recessive inheritance. Not counted in ClinVar's aggregate classification.
Comment: The p.Ala403Val variant in PAH is a well-established pathogenic variant for phenylalanine hydroxylase deficiency/phenylketonuria (PKU) and is associated with a milder phenotype (Zekanowski 1997, Benit 1999, Bardelli 2002, Kasnauskiene 2002, Daniele 2007, Groselj 2012, Georgiou 2012, Bik-Multanowski 2013, Polak 2013). This variant was identified in 0.5% (51/10150) of Ashkenazi Jewish chromosomes by the Genome Aggregation Database (gnomAD). It has also been reported in ClinVar (Variation ID 92731) and is classified as pathogenic by the ClinGen PAH Expert Panel. In vitro functional studies refunctional studies support an impact on protein function (Cerreto 2011 PMID:21820508). In addition, computation prediction tools support an impact to the protein. In summary, the p.Ala403Val variant in PAH meets criteria to be classified as pathogenic for PKU in an autosomal recessive manner. ACMG/AMP criteria applied: PM3_VeryStrong, PS3, PP3.

Clinical Genetics Laboratory, Skane University Hospital Lund
Classification: Pathogenic. Last evaluated: 2022-05-27. Review status: criteria provided, single submitter. Criteria: ACMG Guidelines, 2015. Collection method: clinical testing. Allele origin: germline. Affected: yes. Not counted in ClinVar's aggregate classification.

Institute of Human Genetics Munich, TUM University Hospital
Classification: Pathogenic for Phenylketonuria. Last evaluated: 2022-05-16. Review status: criteria provided, single submitter. Criteria: Classification criteria August 2017. Collection method: clinical testing. Allele origin: germline. Inheritance: Autosomal recessive inheritance. Affected: yes. Observed: 1 variant allele. Not counted in ClinVar's aggregate classification.

AiLife Diagnostics
Classification: Pathogenic. Last evaluated: 2022-01-25. Review status: criteria provided, single submitter. Criteria: ACMG Guidelines, 2015. Collection method: clinical testing. Allele origin: germline. Affected: yes. Observed: 1 variant allele. Not counted in ClinVar's aggregate classification.

CENTOGENE GmbH and LLC - Guiding Precision Medicine
Classification: Pathogenic for Phenylketonuria. Last evaluated: 2021-08-30. Review status: criteria provided, single submitter. Criteria: ACMG Guidelines, 2015. Collection method: clinical testing. Allele origin: germline. Affected: yes. Not counted in ClinVar's aggregate classification.

New York Genome Center
Classification: Pathogenic for Phenylketonuria. Last evaluated: 2021-08-12. Review status: criteria provided, single submitter. Criteria: NYGC Assertion Criteria 2020. Collection method: clinical testing. Allele origin: germline, inherited. Observed: 2 heterozygotes. Clinical features observed: Seizure (HP:0001250), Intellectual disability (HP:0001249), Autism (HP:0000717), Obesity (HP:0001513), Sleep disturbance (HP:0002360), Self-injurious behavior (HP:0100716), Aggressive behavior (HP:0006919), Absent speech (HP:0001344). Study: CSER-NYCKidSeq. Not counted in ClinVar's aggregate classification.

Genome-Nilou Lab
Classification: Pathogenic for Phenylketonuria. Last evaluated: 2021-07-22. Review status: criteria provided, single submitter. Criteria: ACMG Guidelines, 2015. Collection method: clinical testing. Allele origin: germline. Affected: no. Not counted in ClinVar's aggregate classification.

Dubai Health Genomic Medicine Center, Dubai Health
Classification: Pathogenic for Phenylketonuria. Last evaluated: 2020-11-15. Review status: criteria provided, single submitter. Criteria: ACMG Guidelines, 2015. Collection method: clinical testing. Allele origin: germline. Affected: yes. Not counted in ClinVar's aggregate classification.
Comment: The p.Ala403Val variant in PAH is a well-established pathogenic variant for phenylketonuria (PKU) and is associated with a milder phenotype (PMID: 9429153, 10479481, 12409276, 12640344, 17096675, 22513348, 2233094,2 24350308, 23764561, ClinVar ID: 92731). This variant has been identified in 53/10368 (0.51% 0 homozygotes) Ashkenazi Jewish alleles in the Genome Aggregation Database (gnomAD) and in 2/1984 (0.1% 0 homozygotes) alleles in the Greater Middle East (GME) variome database. Although this variant has been seen in the general population its frequency is low enough to be consistent with a recessive carrier frequency. In summary this variant meets our criteria to be classified as pathogenic.

GeneDx
Classification: Pathogenic. Last evaluated: 2020-10-14. Review status: criteria provided, single submitter. Criteria: GeneDx Variant Classification Process June 2021. Collection method: clinical testing. Allele origin: germline. Affected: yes. Not counted in ClinVar's aggregate classification.
Comment: Associated with mild hyperphenylalaninemia and 30-40% residual phenylalanine hydroxylase enzyme activity (Bnit et al., 1999); In silico analysis supports that this missense variant has a deleterious effect on protein structure/function; This variant is associated with the following publications: (PMID: 31980526, 30747360, 27121329, 25596310, 30487145, 30667134, 30037505, 29499199, 8268925, 28956315, 25750018, 17935162, 12409276, 27469133, 27830119, 27175728, 23942198, 12501224, 8889590, 15557004, 23764561, 24033266, 17096675, 12640344, 22330942, 22513348, 25087612, 23500595, 23430547, 23559577, 21953985, 21820508, 12644360, 11486900, 10479481, 8739972, 18346471, 22526846, 23792259, 16051511, 18482855, 9686365, 9298832, 18299955, 11096279, 9429153, 10598814)